The following is an entry in ClinVar:

ClinVar aggregate classification (germline): Conflicting classifications of pathogenicity. Review status: criteria provided, conflicting classifications (1 of 4 stars). 2 submissions from 2 submitters: Uncertain significance (1); Likely benign (1). Last evaluated 2023-07-25.

Conditions:
Osteogenesis imperfecta type I (OI1). Also called: Lobstein's Disease; Osteogenesis imperfecta type 1; Classic Non-deforming Osteogenesis Imperfecta with Blue Sclerae; Lobstein disease; OI, TYPE I; OSTEOGENESIS IMPERFECTA TARDA. Identifiers: Orphanet 216796, Orphanet 666, MedGen C0023931, MONDO:0008146, OMIM 166200. Disease mechanism: loss of function.

Allele frequency attached by ClinVar (database versions not stated): ExAC 0.00001; gnomAD 0.00002; TOPMed 0.00004.
gnomAD v4.1: 4 of 1,613,996 alleles (0.00025%); highest among the groups gnomAD compares: African/African-American, 0.0027%; no homozygotes.

Submissions (2):

Labcorp Genetics (formerly Invitae), Labcorp
Classification: Likely benign for Osteogenesis imperfecta type I. Last evaluated: 2023-07-25. Review status: criteria provided, single submitter. Criteria: Invitae Variant Classification Sherloc (09022015). Collection method: clinical testing. Allele origin: germline.

GeneDx
Classification: Uncertain significance. Last evaluated: 2022-11-22. Review status: criteria provided, single submitter. Criteria: GeneDx Variant Classification Process June 2021. Collection method: clinical testing. Allele origin: germline. Affected: yes.
Comment: Not observed at significant frequency in large population cohorts (gnomAD); In silico analysis supports that this missense variant does not alter protein structure/function; Has not been previously published as pathogenic or benign to our knowledge

NM_000088.4(COL1A1):c.1520C>T (p.Pro507Leu)

Gene: COL1A1 (collagen type I alpha 1 chain; minus strand). Cytogenetic location: 17q21.33.
Variant type: single nucleotide variant.
Coding change: c.1520C>T on transcript NM_000088.4 (MANE Select); coding-DNA position 1520, C replaced by T.
Protein change: p.Pro507Leu; replaces proline 507 with leucine.
Molecular consequence: missense variant.
Genome position (GRCh38, 1-based): chr17:50,194,443, G>A on the plus strand (C>T on the coding strand, the complement: COL1A1 is on the minus strand). VCF-style: chr17-50194443-G-A. GRCh37 (hg19) VCF-style: chr17-48271804-G-A.
Other names: short protein forms P507L.
Identifiers: ClinVar variation 2502616 (VCV002502616.4), dbSNP rs755601552, ClinGen allele CA8645201.
Genomic context (GRCh38, chr17:50,194,443, plus strand): 5'-CCAGCTTCACCAGGAGATCCTTTGGGGCCAGCAGGGCCAGGAGAACCACGTTCACCAGCG[G>A]GACCCTGGTTGGGGGAAGTCACAGGAACAGTTAGGGTCTCAAGTTTGTGGCTCTTTGCCA-3'
Protein context (NP_000079.2, residues 497-517): GADGVAGPKG[Pro507Leu]AGERGSPGPA